The following is an entry in ClinVar:

ClinVar aggregate classification (germline): Uncertain significance (1 of 4 stars; one submission).

Conditions:
Koolen-de Vries syndrome (KDVS). Identifiers: Orphanet 96169, MedGen C1864871, MONDO:0012496, OMIM 610443.

gnomAD v4.1: 2 of 1,612,258 alleles (0.00012%); highest among the groups gnomAD compares: East Asian, 0.0022%; no homozygotes.

Submission:

Victorian Clinical Genetics Services, Murdoch Childrens Research Institute
Classification: Uncertain significance for Koolen-de Vries syndrome. Last evaluated: 2023-12-21. Review status: criteria provided, single submitter. Criteria: ACMG Guidelines, 2015. Collection method: clinical testing. Allele origin: germline. Inheritance: Autosomal dominant inheritance. Affected: yes.
Comment: Based on the classification scheme VCGS_Germline_v1.3.4, this variant is classified as VUS-3C. Following criteria are met: 0102 - Loss of function is a known mechanism of disease in this gene and is associated with Koolen-De Vries syndrome (MIM#610443). (I) 0107 - This gene is associated with autosomal dominant disease. (I) 0200 - Variant is predicted to result in a missense amino acid change from proline to serine. (I) 0251 - This variant is heterozygous. (I) 0301 - Variant is absent from gnomAD (both v2 and v3). (SP) 0503 - Missense variant consistently predicted to be tolerated by multiple in silico tools or not conserved in placental mammals with a minor amino acid change. (SB) 0604 - Variant is not located in an established domain, motif, hotspot or informative constraint region. (I) 0705 - No comparable missense variants have previous evidence for pathogenicity. (I) 0807 - This variant has no previous evidence of pathogenicity. (I) 0905 - No published segregation evidence has been identified for this variant. (I) 1007 - No published functional evidence has been identified for this variant. (I) 1208 - Inheritance information for this variant is not currently available in this individual. (I) Legend: (SP) - Supporting pathogenic, (I) - Information, (SB) - Supporting benign

NM_015443.4(KANSL1):c.1834C>T (p.Pro612Ser)

Gene: KANSL1 (KAT8 regulatory NSL complex subunit 1). Cytogenetic location: 17q21.31.
Variant type: single nucleotide variant.
Coding change: c.1834C>T on transcript NM_015443.4 (MANE Select); coding-DNA position 1834, C replaced by T.
Protein change: p.Pro612Ser; replaces proline 612 with serine.
Molecular consequence: missense variant.
Genome position (GRCh38, 1-based): chr17:46,066,551, G>A on the plus strand (C>T on the coding strand, the complement: KANSL1 is on the minus strand). VCF-style: chr17-46066551-G-A. GRCh37 (hg19) VCF-style: chr17-44143917-G-A.
Other names: c.1834C>T, p.Pro612Ser (NM_001193465.2, NM_001193466.2, NM_001379198.1 and 14 more transcripts); c.1732C>T, p.Pro578Ser (NM_001405859.1, NM_001405860.1, NM_001405861.1 and 1 more transcripts); c.568C>T, p.Pro190Ser (NM_001405882.1, NM_001405883.1, NM_001405884.1 and 1 more transcripts); short protein forms P190S, P578S, P612S.
Identifiers: ClinVar variation 3255004 (VCV003255004.1), dbSNP rs2510756824.